The following is an entry in ClinVar:

ClinVar aggregate classification (germline): Uncertain significance (1 of 4 stars; one submission).

Submission:

Labcorp Genetics (formerly Invitae), Labcorp
Classification: Uncertain significance. Last evaluated: 2023-11-07. Review status: criteria provided, single submitter. Criteria: Invitae Variant Classification Sherloc (09022015). Collection method: clinical testing. Allele origin: germline.
Comment: This sequence change falls in intron 29 of the COL9A3 gene. It does not directly change the encoded amino acid sequence of the COL9A3 protein. It affects a nucleotide within the consensus splice site. This variant is not present in population databases (gnomAD no frequency). This variant has not been reported in the literature in individuals affected with COL9A3-related conditions. Variants that disrupt the consensus splice site are a relatively common cause of aberrant splicing (PMID: 17576681, 9536098). Algorithms developed to predict the effect of sequence changes on RNA splicing suggest that this variant may disrupt the consensus splice site. In summary, the available evidence is currently insufficient to determine the role of this variant in disease. Therefore, it has been classified as a Variant of Uncertain Significance.

Literature cited by the submitters: PubMed 17576681; PubMed 9536098.

NM_001853.4(COL9A3):c.1603+6T>A

Genes: COL9A3 (collagen type IX alpha 3 chain; plus strand), LOC126863084 (MED14-independent group 3 enhancer GRCh37_chr20:61467141-61468340; plus strand). Cytogenetic location: 20q13.33.
Variant type: single nucleotide variant.
Coding change: c.1603+6T>A on transcript NM_001853.4 (MANE Select); 6 bases into the intron after coding-DNA position 1603, T replaced by A.
Molecular consequence: intron variant.
Genome position (GRCh38, 1-based): chr20:62,836,538, T>A. VCF-style: chr20-62836538-T-A. GRCh37 (hg19) VCF-style: chr20-61467890-T-A.
Identifiers: ClinVar variation 2820701 (VCV002820701.3), dbSNP rs2516087055, ClinGen allele CA2577448537.